The following is an entry in ClinVar:

ClinVar aggregate classification (germline): Likely benign (1 of 4 stars; one submission).

Submission:

CeGaT Center for Human Genetics Tuebingen
Classification: Likely benign. Last evaluated: 2024-10-01. Review status: criteria provided, single submitter. Criteria: CeGaT Center For Human Genetics Tuebingen Variant Classification Criteria Version 2. Collection method: clinical testing. Allele origin: germline. Affected: yes. Observed: 2 variant alleles.
Comment: MDFIC: PM2:Supporting, BP4, BP7

NM_001166345.3(MDFIC):c.468C>G (p.Ser156=)

Gene: MDFIC (MyoD family inhibitor domain containing; plus strand). Cytogenetic location: 7q31.1.
Variant type: single nucleotide variant.
Coding change: c.468C>G on transcript NM_001166345.3 (MANE Select); coding-DNA position 468, C replaced by G.
Protein change: p.Ser156=; no amino-acid change (serine 156 retained).
Molecular consequence: synonymous variant.
Genome position (GRCh38, 1-based): chr7:114,979,756, C>G. VCF-style: chr7-114979756-C-G. GRCh37 (hg19) VCF-style: chr7-114619811-C-G.
Other names: c.795C>G, p.Ser265= (NM_199072.5).
Identifiers: ClinVar variation 2657957 (VCV002657957.24), dbSNP rs2535238943, ClinGen allele CA457461875.